The following is an entry in ClinVar:

ClinVar aggregate classification (germline): Uncertain significance (1 of 4 stars; one submission).

Submission:

GeneDx
Classification: Uncertain significance. Last evaluated: 2025-01-17. Review status: criteria provided, single submitter. Criteria: GeneDx Variant Classification Process June 2021. Collection method: clinical testing. Allele origin: germline.
Comment: In silico analysis supports that this missense variant has a deleterious effect on protein structure/function; Has not been previously published as pathogenic or benign to our knowledge

NM_004446.3(EPRS1):c.578C>T (p.Ala193Val)

Gene: EPRS1 (glutamyl-prolyl-tRNA synthetase 1; minus strand). Cytogenetic location: 1q41.
Variant type: single nucleotide variant.
Coding change: c.578C>T on transcript NM_004446.3 (MANE Select); coding-DNA position 578, C replaced by T.
Protein change: p.Ala193Val; replaces alanine 193 with valine.
Molecular consequence: missense variant.
Genome position (GRCh38, 1-based): chr1:220,030,431, G>A on the plus strand (C>T on the coding strand, the complement: EPRS1 is on the minus strand). VCF-style: chr1-220030431-G-A. GRCh37 (hg19) VCF-style: chr1-220203773-G-A.
Other names: short protein forms A193V.
Identifiers: ClinVar variation 3342589 (VCV003342589.2).
Genomic context (GRCh38, chr1:220,030,431, plus strand): 5'-GTTACATTTTCTTACCCACTGGCCTCTGGAGGAAATCTGACGGTAACCTTTCCCATCTCC[G>A]CACCTGGAAGCTCAACAAATTTCCCAACATCTTGCTTTTTCTCAGGTGCCTGAAAAACAC-3'
Protein context (NP_004437.2, residues 183-203): DVGKFVELPG[Ala193Val]EMGKVTVRFP